The following is an entry in ClinVar:

ClinVar aggregate classification (germline): Uncertain significance (1 of 4 stars; one submission).

Conditions:
Mosaic variegated aneuploidy syndrome 1 (MVA1). Also called: Warburton-Anyane-Yeboa syndrome. Identifiers: Orphanet 1052, MedGen C1850343, MONDO:0009759, OMIM 257300.

Submission:

Labcorp Genetics (formerly Invitae), Labcorp
Classification: Uncertain significance for Mosaic variegated aneuploidy syndrome 1. Last evaluated: 2023-05-16. Review status: criteria provided, single submitter. Criteria: Invitae Variant Classification Sherloc (09022015). Collection method: clinical testing. Allele origin: germline.
Comment: This variant has not been reported in the literature in individuals affected with BUB1B-related conditions. In summary, the available evidence is currently insufficient to determine the role of this variant in disease. Therefore, it has been classified as a Variant of Uncertain Significance. Variants that disrupt the consensus splice site are a relatively common cause of aberrant splicing (PMID: 17576681, 9536098). Algorithms developed to predict the effect of sequence changes on RNA splicing suggest that this variant is not likely to affect RNA splicing. This variant is not present in population databases (gnomAD no frequency). This sequence change falls in intron 4 of the BUB1B gene. It does not directly change the encoded amino acid sequence of the BUB1B protein. It affects a nucleotide within the consensus splice site.

Literature cited by the submitters: PubMed 17576681; PubMed 9536098.

NM_001211.6(BUB1B):c.384+6T>C

Gene: BUB1B (BUB1 mitotic checkpoint serine/threonine kinase B; plus strand). Cytogenetic location: 15q15.1.
Variant type: single nucleotide variant.
Coding change: c.384+6T>C on transcript NM_001211.6 (MANE Select); 6 bases into the intron after coding-DNA position 384, T replaced by C.
Molecular consequence: intron variant.
Genome position (GRCh38, 1-based): chr15:40,170,687, T>C. VCF-style: chr15-40170687-T-C. GRCh37 (hg19) VCF-style: chr15-40462888-T-C.
Identifiers: ClinVar variation 2891253 (VCV002891253.3), dbSNP rs2140881867, ClinGen allele CA2739278837.